The following is an entry in ClinVar:

NM_032447.5(FBN3):c.8428T>C (p.Ter2810Gln)

Gene: FBN3 (fibrillin 3; minus strand). Cytogenetic location: 19p13.2.
Variant type: single nucleotide variant.
Coding change: c.8428T>C on transcript NM_032447.5 (MANE Select); coding-DNA position 8428, T replaced by C.
Protein change: p.Ter2810Gln.
Molecular consequence: stop lost.
Genome position (GRCh38, 1-based): chr19:8,065,921, A>G on the plus strand (T>C on the coding strand, the complement: FBN3 is on the minus strand). VCF-style: chr19-8065921-A-G. GRCh37 (hg19) VCF-style: chr19-8130805-A-G.
Other names: c.8428T>C, p.Ter2810Gln (NM_001321431.2).
Identifiers: ClinVar variation 3614973 (VCV003614973.2).

ClinVar aggregate classification (germline): Uncertain significance (1 of 4 stars; one submission).

gnomAD v4.1: 30 of 1,568,498 alleles (0.0019%); highest among the groups gnomAD compares: Non-Finnish European, 0.0024%; no homozygotes.

Submission:

Labcorp Genetics (formerly Invitae), Labcorp
Classification: Uncertain significance. Last evaluated: 2024-08-31. Review status: criteria provided, single submitter. Criteria: Invitae Variant Classification Sherloc (09022015). Collection method: clinical testing. Allele origin: germline.
Comment: This sequence change disrupts the translational stop signal of the FBN3 mRNA. It is expected to extend the length of the FBN3 protein by 22 additional amino acid residues. This variant is present in population databases (rs757711844, gnomAD 0.004%). This variant has not been reported in the literature in individuals affected with FBN3-related conditions. Experimental studies and prediction algorithms are not available or were not evaluated, and the functional significance of this variant is currently unknown. In summary, the available evidence is currently insufficient to determine the role of this variant in disease. Therefore, it has been classified as a Variant of Uncertain Significance.